The following is an entry in ClinVar:

ClinVar aggregate classification (germline): Benign. Review status: criteria provided, multiple submitters, no conflicts (2 of 4 stars). 3 submissions from 3 submitters: Benign (3). Last evaluated 2026-01-18.

Allele frequency attached by ClinVar (database versions not stated): 1000 Genomes Project 30x 0.01686; ExAC 0.02889; gnomAD 0.02703 and 0.02672; ESP Exome Variant Server 0.02876; 1000 Genomes Project 0.01737; TOPMed 0.02519; gnomAD exomes 0.02884 and 0.03540.
gnomAD v4.1: 55,835 of 1,613,682 alleles (3.5%); highest among the groups gnomAD compares: Non-Finnish European, 3.9%; 1,066 homozygotes.

Submissions (3):

Labcorp Genetics (formerly Invitae), Labcorp
Classification: Benign. Last evaluated: 2026-01-18. Review status: criteria provided, single submitter. Criteria: Invitae Variant Classification Sherloc (09022015). Collection method: clinical testing. Allele origin: germline.

GeneDx
Classification: Benign. Last evaluated: 2018-08-21. Review status: criteria provided, single submitter. Criteria: GeneDx Variant Classification Process June 2021. Collection method: clinical testing. Allele origin: germline. Affected: yes.
Comment: This variant is associated with the following publications: (PMID: 17003840)

Breakthrough Genomics
Classification: Benign. Review status: criteria provided, single submitter. Criteria: ACMG Guidelines, 2015. Collection method: not provided. Allele origin: germline. Inheritance: Unknown mechanism. Affected: yes.

NM_001719.3(BMP7):c.597G>A (p.Gln199=)

Gene: BMP7 (bone morphogenetic protein 7; minus strand). Cytogenetic location: 20q13.31.
Variant type: single nucleotide variant.
Coding change: c.597G>A on transcript NM_001719.3 (MANE Select); coding-DNA position 597, G replaced by A.
Protein change: p.Gln199=; no amino-acid change (glutamine 199 retained).
Molecular consequence: synonymous variant.
Genome position (GRCh38, 1-based): chr20:57,228,243, C>T on the plus strand (G>A on the coding strand, the complement: BMP7 is on the minus strand). VCF-style: chr20-57228243-C-T. GRCh37 (hg19) VCF-style: chr20-55803299-C-T.
Identifiers: ClinVar variation 1285787 (VCV001285787.10), dbSNP rs41274738, ClinGen allele CA9919787.